The following is an entry in ClinVar:

ClinVar aggregate classification (germline): Uncertain significance (1 of 4 stars; one submission).

gnomAD v4.1: 1 of 1,606,794 alleles (0.000062%); highest among the groups gnomAD compares: Non-Finnish European, 0.000085%; no homozygotes.

Submission:

Labcorp Genetics (formerly Invitae), Labcorp
Classification: Uncertain significance. Last evaluated: 2025-10-22. Review status: criteria provided, single submitter. Criteria: Invitae Variant Classification Sherloc (09022015). Collection method: clinical testing. Allele origin: germline.
Comment: This sequence change replaces glycine, which is neutral and non-polar, with serine, which is neutral and polar, at codon 59 of the TANGO2 protein (p.Gly59Ser). This variant is not present in population databases (gnomAD no frequency). This variant has not been reported in the literature in individuals affected with TANGO2-related conditions. An algorithm developed to predict the effect of missense changes on protein structure and function (PolyPhen-2) suggests that this variant is likely to be disruptive. In summary, the available evidence is currently insufficient to determine the role of this variant in disease. Therefore, it has been classified as a Variant of Uncertain Significance.

NM_152906.7(TANGO2):c.175G>A (p.Gly59Ser)

Gene: TANGO2 (transport and golgi organization 2 homolog; plus strand). Cytogenetic location: 22q11.21.
Variant type: single nucleotide variant.
Coding change: c.175G>A on transcript NM_152906.7 (MANE Select); coding-DNA position 175, G replaced by A.
Protein change: p.Gly59Ser; replaces glycine 59 with serine.
Molecular consequence: missense variant. On other transcripts: 5 prime UTR variant (12), non-coding transcript variant (5).
Genome position (GRCh38, 1-based): chr22:20,052,494, G>A. VCF-style: chr22-20052494-G-A. GRCh37 (hg19) VCF-style: chr22-20040017-G-A.
Other names: c.175G>A, p.Gly59Ser (NM_001283106.3, NM_001283116.3, NM_001283148.3 and 10 more transcripts); c.298G>A, p.Gly100Ser (NM_001283129.3, NM_001283215.3, NM_001322141.2 and 5 more transcripts); c.-5G>A (NM_001283235.3, NM_001322146.2, NM_001322148.2 and 9 more transcripts); short protein forms G59S, G100S.
Identifiers: ClinVar variation 4711148 (VCV004711148.1).